The following is an entry in ClinVar:

NM_001267550.2(TTN):c.46518T>C (p.Asp15506=)

Genes: TTN (titin; minus strand), TTN-AS1 (TTN antisense RNA 1; plus strand). Cytogenetic location: 2q31.2.
Variant type: single nucleotide variant.
Coding change: c.46518T>C on transcript NM_001267550.2 (MANE Select); coding-DNA position 46518, T replaced by C.
Protein change: p.Asp15506=; no amino-acid change (aspartic acid 15506 retained).
Molecular consequence: synonymous variant. On other transcripts: non-coding transcript variant (1).
Genome position (GRCh38, 1-based): chr2:178,619,799, A>G on the plus strand (T>C on the coding strand, the complement: TTN is on the minus strand). VCF-style: chr2-178619799-A-G. GRCh37 (hg19) VCF-style: chr2-179484526-A-G.
Other names: c.41595T>C, p.Asp13865= (NM_001256850.1); c.19323T>C, p.Asp6441= (NM_003319.4); c.38814T>C, p.Asp12938= (NM_133378.4); c.19698T>C, p.Asp6566= (NM_133432.3); c.19899T>C, p.Asp6633= (NM_133437.4).
Identifiers: ClinVar variation 1675821 (VCV001675821.33), dbSNP rs2154210593, ClinGen allele CA430274791.

ClinVar aggregate classification (germline): Likely benign (1 of 4 stars; one submission).

Submission:

CeGaT Center for Human Genetics Tuebingen
Classification: Likely benign. Last evaluated: 2026-02-01. Review status: criteria provided, single submitter. Criteria: CeGaT Center For Human Genetics Tuebingen Variant Classification Criteria Version 2. Collection method: clinical testing. Allele origin: germline. Affected: yes. Observed: 4 variant alleles.
Comment: TTN: PM2:Supporting, BP4, BP7